The following is an entry in ClinVar:

NM_001852.4(COL9A2):c.902G>C (p.Gly301Ala)

Gene: COL9A2 (collagen type IX alpha 2 chain; minus strand). Cytogenetic location: 1p34.2.
Variant type: single nucleotide variant.
Coding change: c.902G>C on transcript NM_001852.4 (MANE Select); coding-DNA position 902, G replaced by C.
Protein change: p.Gly301Ala; replaces glycine 301 with alanine.
Molecular consequence: missense variant.
Genome position (GRCh38, 1-based): chr1:40,307,755, C>G on the plus strand (G>C on the coding strand, the complement: COL9A2 is on the minus strand). VCF-style: chr1-40307755-C-G. GRCh37 (hg19) VCF-style: chr1-40773427-C-G.
Other names: c.902G>C (NM_001852.3); short protein forms G301A.
Identifiers: ClinVar variation 2879049 (VCV002879049.4), dbSNP rs372191928, ClinGen allele CA339852739.
Genomic context (GRCh38, chr1:40,307,755, plus strand): 5'-ACTCCTACCTTCATGCCAGGCGTGCCTGGGGTCCCATCCTTGCCGTTGATGCCTGGGGGG[C>G]CCTACCCAGGAGGAAAGTTCAAGGGAGAGTGATAATGCGGAGATGTCTGGGGTCTGGCCA-3'
Protein context (NP_001843.1, residues 291-311): QGITGPKGAT[Gly301Ala]PPGINGKDGT

ClinVar aggregate classification (germline): Uncertain significance. Review status: criteria provided, multiple submitters, no conflicts (2 of 4 stars). 2 submissions from 2 submitters: Uncertain significance (2). Last evaluated 2026-01-24.

Conditions:
COL9A2-related disorder. Also called: COL9A2-related condition.

Allele frequency attached by ClinVar (database versions not stated): TOPMed 0.00003.
gnomAD v4.1: 20 of 1,613,954 alleles (0.0012%); highest among the groups gnomAD compares: Non-Finnish European, 0.0017%; no homozygotes.

Submissions (2):

Labcorp Genetics (formerly Invitae), Labcorp
Classification: Uncertain significance. Last evaluated: 2026-01-24. Review status: criteria provided, single submitter. Criteria: Invitae Variant Classification Sherloc (09022015). Collection method: clinical testing. Allele origin: germline.
Comment: This sequence change replaces glycine, which is neutral and non-polar, with alanine, which is neutral and non-polar, at codon 301 of the COL9A2 protein (p.Gly301Ala). This variant is present in population databases (no rsID available, gnomAD 0.002%). This variant has not been reported in the literature in individuals affected with COL9A2-related conditions. ClinVar contains an entry for this variant (Variation ID: 2879049). An algorithm developed to predict the effect of missense changes on protein structure and function (PolyPhen-2) suggests that this variant is likely to be disruptive. In summary, the available evidence is currently insufficient to determine the role of this variant in disease. Therefore, it has been classified as a Variant of Uncertain Significance.

PreventionGenetics, part of Exact Sciences
Classification: Uncertain significance for COL9A2-related condition. Last evaluated: 2025-06-20. Review status: criteria provided, single submitter. Criteria: ACMG Guidelines, 2015. Collection method: clinical testing. Allele origin: germline.
Comment: The COL9A2 c.902G>C variant is predicted to result in the amino acid substitution p.Gly301Ala. To our knowledge, this variant has not been reported in the literature. This variant is reported in 0.0023% of alleles in individuals of European (Non-Finnish) descent in gnomAD. At this time, the clinical significance of this variant is uncertain due to the absence of conclusive functional and genetic evidence.